The following is an entry in ClinVar:

ClinVar aggregate classification (germline): Pathogenic (1 of 4 stars; one submission).
ClinVar aggregate classification (oncogenicity): Likely oncogenic (1 of 4 stars; one submission).

Conditions:
Neoplasm. Also called: Neoplasms; Neoplasm (disease); tumor. Identifiers: MedGen C0027651, MeSH D009369, MONDO:0005070, HP:0002664.

Submissions (2):

Labcorp Genetics (formerly Invitae), Labcorp
Classification: Pathogenic. Last evaluated: 2025-08-06. Review status: criteria provided, single submitter. Criteria: Invitae Variant Classification Sherloc (09022015). Collection method: clinical testing. Allele origin: germline.
Comment: This sequence change creates a premature translational stop signal (p.Lys553Asnfs*52) in the KMT2B gene. It is expected to result in an absent or disrupted protein product. Loss-of-function variants in KMT2B are known to be pathogenic (PMID: 27839873, 27992417). This variant is not present in population databases (gnomAD no frequency). This variant has not been reported in the literature in individuals affected with KMT2B-related conditions. ClinVar contains an entry for this variant (Variation ID: 1395227). Algorithms developed to predict the effect of sequence changes on RNA splicing suggest that this variant may create or strengthen a splice site. For these reasons, this variant has been classified as Pathogenic.

Center for Genomic Medicine, Rigshospitalet, Copenhagen University Hospital
Classification: Likely oncogenic for Neoplasm. Last evaluated: 2025-03-04. Review status: criteria provided, single submitter. Criteria: ClinGen/CGC/VICC Guidelines for Oncogenicity, 2022. Collection method: clinical testing. Allele origin: somatic. Affected: yes.

Literature cited by the submitters: PubMed 27839873 (cited by Labcorp Genetics (formerly Invitae), Labcorp); PubMed 27992417 (cited by Labcorp Genetics (formerly Invitae), Labcorp).

NM_014727.3(KMT2B):c.1656del (p.Lys553fs)

Gene: KMT2B (lysine methyltransferase 2B; plus strand). Cytogenetic location: 19q13.12.
Variant type: Deletion.
Coding change: c.1656del on transcript NM_014727.3 (MANE Select); coding-DNA position 1656, one base deleted (C; older notation c.1656delC).
Protein change: p.Lys553fs; shifts the reading frame from lysine 553.
Molecular consequence: frameshift variant.
Genome position (GRCh38, 1-based): chr19:35,721,003, C deleted; the last of 7 consecutive C bases (chr19:35,720,997-35,721,003); deleting any one gives the same sequence. VCF-style (leftmost placement, unchanged base first): chr19-35720996-AC-A. GRCh37 (hg19) VCF-style: chr19-36211898-AC-A.
Other names: c.1656delC (NM_014727.3); short protein forms K553fs.
Identifiers: ClinVar variation 1395227 (VCV001395227.8), dbSNP rs775294431, ClinGen allele CA645617494.